The following is an entry in ClinVar:

ClinVar aggregate classification (germline): Likely benign (1 of 4 stars; one submission).

Submission:

CeGaT Center for Human Genetics Tuebingen
Classification: Likely benign. Last evaluated: 2022-06-01. Review status: criteria provided, single submitter. Criteria: CeGaT Center For Human Genetics Tuebingen Variant Classification Criteria Version 2. Collection method: clinical testing. Allele origin: germline. Affected: yes. Observed: 1 variant allele.
Comment: ADCK2: BP4, BP7

NM_052853.4(ADCK2):c.51G>A (p.Arg17=)

Gene: ADCK2 (aarF domain containing kinase 2; plus strand). Cytogenetic location: 7q34.
Variant type: single nucleotide variant.
Coding change: c.51G>A on transcript NM_052853.4 (MANE Select); coding-DNA position 51, G replaced by A.
Protein change: p.Arg17=; no amino-acid change (arginine 17 retained).
Molecular consequence: synonymous variant.
Genome position (GRCh38, 1-based): chr7:140,673,381, G>A. VCF-style: chr7-140673381-G-A. GRCh37 (hg19) VCF-style: chr7-140373181-G-A.
Identifiers: ClinVar variation 2658019 (VCV002658019.24), dbSNP rs1165369718, ClinGen allele CA458158491.